The following is an entry in ClinVar:

NM_004239.4(TRIP11):c.1186+5A>G

Gene: TRIP11 (thyroid hormone receptor interactor 11; minus strand). Cytogenetic location: 14q32.12.
Variant type: single nucleotide variant.
Coding change: c.1186+5A>G on transcript NM_004239.4 (MANE Select); 5 bases into the intron after coding-DNA position 1186, A replaced by G.
Molecular consequence: intron variant.
Genome position (GRCh38, 1-based): chr14:92,014,210, T>C on the plus strand (A>G on the coding strand, the complement: TRIP11 is on the minus strand). VCF-style: chr14-92014210-T-C. GRCh37 (hg19) VCF-style: chr14-92480554-T-C.
Other names: c.1183+5A>G (NM_001321851.1).
Identifiers: ClinVar variation 1954455 (VCV001954455.5), dbSNP rs373764409, ClinGen allele CA7314015.

ClinVar aggregate classification (germline): Uncertain significance (1 of 4 stars; one submission).

Conditions:
Achondrogenesis, type IA (ACG1A). Identifiers: Orphanet 932, Orphanet 93299, MedGen C0265273, MONDO:0008701, OMIM 200600.

Allele frequency attached by ClinVar (database versions not stated): TOPMed below 0.00001; ExAC 0.00001; gnomAD 0.00001; gnomAD exomes 0.00001; ESP Exome Variant Server 0.00008.
gnomAD v4.1: 9 of 1,613,870 alleles (0.00056%); highest among the groups gnomAD compares: Non-Finnish European, 0.00076%; no homozygotes.

Submission:

Labcorp Genetics (formerly Invitae), Labcorp
Classification: Uncertain significance for Achondrogenesis, type IA. Last evaluated: 2023-08-10. Review status: criteria provided, single submitter. Criteria: Invitae Variant Classification Sherloc (09022015). Collection method: clinical testing. Allele origin: germline.
Comment: ClinVar contains an entry for this variant (Variation ID: 1954455). This variant has not been reported in the literature in individuals affected with TRIP11-related conditions. This variant is present in population databases (rs373764409, gnomAD 0.0009%). This sequence change falls in intron 7 of the TRIP11 gene. It does not directly change the encoded amino acid sequence of the TRIP11 protein. It affects a nucleotide within the consensus splice site. Variants that disrupt the consensus splice site are a relatively common cause of aberrant splicing (PMID: 17576681, 9536098). Algorithms developed to predict the effect of sequence changes on RNA splicing suggest that this variant is not likely to affect RNA splicing. In summary, the available evidence is currently insufficient to determine the role of this variant in disease. Therefore, it has been classified as a Variant of Uncertain Significance.

Literature cited by the submitters: PubMed 17576681; PubMed 9536098.